The following is an entry in ClinVar:

ClinVar aggregate classification (germline): Uncertain significance. Review status: criteria provided, multiple submitters, no conflicts (2 of 4 stars). 3 submissions from 3 submitters: Uncertain significance (3). Last evaluated 2025-01-10.

Conditions:
Inborn genetic diseases. Identifiers: MedGen C0950123, MeSH D030342.
Pseudohypoaldosteronism type 2D (PHA2D). Also called: FAMILIAL HYPERKALEMIC HYPERTENSION; PSEUDOHYPOALDOSTERONISM, TYPE IID, AUTOSOMAL DOMINANT OR RECESSIVE; Pseudohypoaldosteronism Type IID. Identifiers: Orphanet 300525, Orphanet 757, MedGen C3469605, MONDO:0013781, OMIM 614495.

Allele frequency attached by ClinVar (database versions not stated): gnomAD 0.00003 and 0.00004; TOPMed 0.00003; gnomAD exomes 0.00005 and 0.00007; ExAC 0.00006; ESP Exome Variant Server 0.00008.
gnomAD v4.1: 102 of 1,613,988 alleles (0.0063%); highest among the groups gnomAD compares: Middle Eastern, 0.066%; no homozygotes.

Submissions (3):

Ambry Genetics
Classification: Uncertain significance for Inborn genetic diseases. Last evaluated: 2025-01-10. Review status: criteria provided, single submitter. Criteria: Ambry Variant Classification Scheme 2023. Collection method: clinical testing. Allele origin: germline.

Labcorp Genetics (formerly Invitae), Labcorp
Classification: Uncertain significance. Last evaluated: 2023-08-09. Review status: criteria provided, single submitter. Criteria: Invitae Variant Classification Sherloc (09022015). Collection method: clinical testing. Allele origin: germline.
Comment: This sequence change replaces threonine, which is neutral and polar, with methionine, which is neutral and non-polar, at codon 565 of the KLHL3 protein (p.Thr565Met). This variant is present in population databases (rs375871642, gnomAD 0.02%). This variant has not been reported in the literature in individuals affected with KLHL3-related conditions. ClinVar contains an entry for this variant (Variation ID: 634612). An algorithm developed to predict the effect of missense changes on protein structure and function (PolyPhen-2) suggests that this variant is likely to be disruptive. In summary, the available evidence is currently insufficient to determine the role of this variant in disease. Therefore, it has been classified as a Variant of Uncertain Significance.

Genomic Research Center, Shahid Beheshti University of Medical Sciences
Classification: Uncertain significance for Pseudohypoaldosteronism type 2D. Last evaluated: 2019-01-01. Review status: criteria provided, single submitter. Criteria: ACMG Guidelines, 2015. Collection method: clinical testing. Allele origin: unknown. Affected: yes. Observed: 1 variant allele.

NM_017415.3(KLHL3):c.1694C>T (p.Thr565Met)

Gene: KLHL3 (kelch like family member 3; minus strand). Cytogenetic location: 5q31.2.
Variant type: single nucleotide variant.
Coding change: c.1694C>T on transcript NM_017415.3 (MANE Select); coding-DNA position 1694, C replaced by T.
Protein change: p.Thr565Met; replaces threonine 565 with methionine.
Molecular consequence: missense variant.
Genome position (GRCh38, 1-based): chr5:137,625,794, G>A on the plus strand (C>T on the coding strand, the complement: KLHL3 is on the minus strand). VCF-style: chr5-137625794-G-A. GRCh37 (hg19) VCF-style: chr5-136961483-G-A.
Other names: c.1598C>T, p.Thr533Met (NM_001257194.1); c.1448C>T, p.Thr483Met (NM_001257195.2); short protein forms T565M, T483M, T533M.
Identifiers: ClinVar variation 634612 (VCV000634612.8), dbSNP rs375871642, ClinGen allele CA3422131.